The following is an entry in ClinVar:

NM_203486.3(DLL3):c.505G>C (p.Glu169Gln)

Genes: DLL3 (delta like canonical Notch ligand 3; plus strand), LOC130064417 (ATAC-STARR-seq lymphoblastoid silent region 10608; plus strand). Cytogenetic location: 19q13.2.
Variant type: single nucleotide variant.
Coding change: c.505G>C on transcript NM_203486.3 (MANE Select); coding-DNA position 505, G replaced by C.
Protein change: p.Glu169Gln; replaces glutamic acid 169 with glutamine.
Molecular consequence: missense variant.
Genome position (GRCh38, 1-based): chr19:39,502,910, G>C. VCF-style: chr19-39502910-G-C. GRCh37 (hg19) VCF-style: chr19-39993550-G-C.
Other names: c.505G>C, p.Glu169Gln (NM_016941.4); short protein forms E169Q.
Identifiers: ClinVar variation 1370726 (VCV001370726.7), dbSNP rs1389179156, ClinGen allele CA405795630.

ClinVar aggregate classification (germline): Uncertain significance (1 of 4 stars; one submission).

Allele frequency attached by ClinVar (database versions not stated): TOPMed 0.00001.
gnomAD v4.1: 31 of 1,447,550 alleles (0.0021%); highest among the groups gnomAD compares: Non-Finnish European, 0.0026%; no homozygotes.

Submission:

Labcorp Genetics (formerly Invitae), Labcorp
Classification: Uncertain significance. Last evaluated: 2024-02-24. Review status: criteria provided, single submitter. Criteria: Invitae Variant Classification Sherloc (09022015). Collection method: clinical testing. Allele origin: germline.
Comment: This sequence change replaces glutamic acid, which is acidic and polar, with glutamine, which is neutral and polar, at codon 169 of the DLL3 protein (p.Glu169Gln). This variant is not present in population databases (gnomAD no frequency). This variant has not been reported in the literature in individuals affected with DLL3-related conditions. ClinVar contains an entry for this variant (Variation ID: 1370726). An algorithm developed to predict the effect of missense changes on protein structure and function (PolyPhen-2) suggests that this variant is likely to be disruptive. In summary, the available evidence is currently insufficient to determine the role of this variant in disease. Therefore, it has been classified as a Variant of Uncertain Significance.